The following is an entry in ClinVar:

ClinVar aggregate classification (germline): Uncertain significance. Review status: criteria provided, multiple submitters, no conflicts (2 of 4 stars). 3 submissions from 3 submitters: Uncertain significance (3). Last evaluated 2024-05-08.

Conditions:
Joubert syndrome. Also called: JOUBERT-BOLTSHAUSER SYNDROME; Familial aplasia of the vermis. Identifiers: Orphanet 475, MedGen C5979921, MONDO:0018772.
Joubert syndrome 3 (JBTS3). Also called: AHI1-related Ciliopathy. Identifiers: Orphanet 220493, MedGen C1837713, MONDO:0012078, OMIM 608629.

Allele frequency attached by ClinVar (database versions not stated): gnomAD exomes 0.00001 and 0.00005; ExAC 0.00002; gnomAD 0.00002; TOPMed 0.00003.
gnomAD v4.1: 22 of 1,609,834 alleles (0.0014%); highest among the groups gnomAD compares: Admixed American, 0.022%; no homozygotes.

Submissions (3):

Fulgent Genetics
Classification: Uncertain significance for Joubert syndrome 3. Last evaluated: 2024-05-08. Review status: criteria provided, single submitter. Criteria: ACMG Guidelines, 2015. Collection method: clinical testing. Allele origin: germline.

Labcorp Genetics (formerly Invitae), Labcorp
Classification: Uncertain significance for Joubert syndrome. Last evaluated: 2022-08-01. Review status: criteria provided, single submitter. Criteria: Invitae Variant Classification Sherloc (09022015). Collection method: clinical testing. Allele origin: germline.
Comment: This sequence change replaces asparagine, which is neutral and polar, with serine, which is neutral and polar, at codon 620 of the AHI1 protein (p.Asn620Ser). This variant is present in population databases (rs773892320, gnomAD 0.02%). This variant has not been reported in the literature in individuals affected with AHI1-related conditions. ClinVar contains an entry for this variant (Variation ID: 1056809). Advanced modeling of protein sequence and biophysical properties (such as structural, functional, and spatial information, amino acid conservation, physicochemical variation, residue mobility, and thermodynamic stability) performed at Invitae indicates that this missense variant is not expected to disrupt AHI1 protein function. Algorithms developed to predict the effect of sequence changes on RNA splicing suggest that this variant may disrupt the consensus splice site. In summary, the available evidence is currently insufficient to determine the role of this variant in disease. Therefore, it has been classified as a Variant of Uncertain Significance.

Blueprint Genetics
Classification: Uncertain significance. Last evaluated: 2021-08-20. Review status: criteria provided, single submitter. Criteria: ACMG Guidelines, 2015. Collection method: clinical testing. Allele origin: germline.

NM_001134831.2(AHI1):c.1859A>G (p.Asn620Ser)

Gene: AHI1 (Abelson helper integration site 1; minus strand). Cytogenetic location: 6q23.3.
Variant type: single nucleotide variant.
Coding change: c.1859A>G on transcript NM_001134831.2 (MANE Select); coding-DNA position 1859, A replaced by G.
Protein change: p.Asn620Ser; replaces asparagine 620 with serine.
Molecular consequence: missense variant.
Genome position (GRCh38, 1-based): chr6:135,442,635, T>C on the plus strand (A>G on the coding strand, the complement: AHI1 is on the minus strand). VCF-style: chr6-135442635-T-C. GRCh37 (hg19) VCF-style: chr6-135763773-T-C.
Other names: c.1859A>G, p.Asn620Ser (NM_001134830.2, NM_001134832.2, NM_001350503.2 and 2 more transcripts); short protein forms N620S.
Identifiers: ClinVar variation 1056809 (VCV001056809.9), dbSNP rs773892320, ClinGen allele CA4012492.